The following is an entry in ClinVar:

NM_000088.4(COL1A1):c.3359del (p.Pro1120fs)

Gene: COL1A1 (collagen type I alpha 1 chain; minus strand). Cytogenetic location: 17q21.33.
Variant type: Deletion.
Coding change: c.3359del on transcript NM_000088.4 (MANE Select); coding-DNA position 3359, one base deleted (C; older notation c.3359delC).
Protein change: p.Pro1120fs; shifts the reading frame from proline 1120.
Molecular consequence: frameshift variant.
Genome position (GRCh38, 1-based): chr17:50,187,886, G deleted on the plus strand (C on the coding strand, the reverse complement: COL1A1 is on the minus strand); the first of 5 consecutive G bases (chr17:50,187,886-50,187,890); deleting any one gives the same sequence. VCF-style (leftmost placement, unchanged base first): chr17-50187885-AG-A. GRCh37 (hg19) VCF-style: chr17-48265246-AG-A.
Other names: short protein forms P1120fs.
Identifiers: ClinVar variation 2855185 (VCV002855185.3), dbSNP rs1429658299, ClinGen allele CA626485758.
Genomic context (GRCh38, chr17:50,187,885, plus strand): 5'-TCCTATCCCACAGCACAGCATGGGGACTGGGGAGGGGCTGAGCATACTTACAGGAGGGCC[AG>A]GGGGACCCTGGAGGCCAGAGAAGCCACGGTGACCCTTTATGCCTCTGTCGCCCTGTTCGC-3'

ClinVar aggregate classification (germline): Pathogenic (1 of 4 stars; one submission).

Conditions:
Osteogenesis imperfecta type I (OI1). Also called: OI, TYPE I; OSTEOGENESIS IMPERFECTA TARDA; OSTEOGENESIS IMPERFECTA WITH BLUE SCLERAE; Lobstein disease; Osteogenesis imperfecta type 1; Lobstein's Disease. Identifiers: Orphanet 216796, Orphanet 666, MedGen C0023931, MONDO:0008146, OMIM 166200. Disease mechanism: loss of function.

Submission:

Labcorp Genetics (formerly Invitae), Labcorp
Classification: Pathogenic for Osteogenesis imperfecta type I. Last evaluated: 2023-06-30. Review status: criteria provided, single submitter. Criteria: Invitae Variant Classification Sherloc (09022015). Collection method: clinical testing. Allele origin: germline.
Comment: This variant has not been reported in the literature in individuals affected with COL1A1-related conditions. For these reasons, this variant has been classified as Pathogenic. This sequence change creates a premature translational stop signal (p.Pro1120Leufs*119) in the COL1A1 gene. It is expected to result in an absent or disrupted protein product. Loss-of-function variants in COL1A1 are known to be pathogenic (PMID: 7942841, 9295084, 9443882). This variant is not present in population databases (gnomAD no frequency).

Literature cited by the submitters: PubMed 7942841; PubMed 9295084; PubMed 9443882.